The following is an entry in ClinVar:

NM_080476.5(PIGU):c.1008G>A (p.Ala336=)

Gene: PIGU (phosphatidylinositol glycan anchor biosynthesis class U; minus strand). Cytogenetic location: 20q11.22.
Variant type: single nucleotide variant.
Coding change: c.1008G>A on transcript NM_080476.5 (MANE Select); coding-DNA position 1008, G replaced by A.
Protein change: p.Ala336=; no amino-acid change (alanine 336 retained).
Molecular consequence: synonymous variant.
Genome position (GRCh38, 1-based): chr20:34,581,591, C>T on the plus strand (G>A on the coding strand, the complement: PIGU is on the minus strand). VCF-style: chr20-34581591-C-T. GRCh37 (hg19) VCF-style: chr20-33169395-C-T.
Identifiers: ClinVar variation 2164573 (VCV002164573.5), dbSNP rs376261316, ClinGen allele CA9822491.
Genomic context (GRCh38, chr20:34,581,591, plus strand): 5'-GAGGCGGGAGTACTCACATCTGTAGAGATGGTTCCACACGGGGAAGAAGGCCATGTAGAG[C>T]GCCACGTCCCCCACTGTCGGGTAGGACTTAAAGATGGCGATGACAGCGATCTGGATAAAC-3'
Protein context (NP_536724.1, residues 326-346): FKSYPTVGDV[Ala336=]LYMAFFPVWN

ClinVar aggregate classification (germline): Likely benign. Review status: criteria provided, multiple submitters, no conflicts (2 of 4 stars). 2 submissions from 2 submitters: Likely benign (2). Last evaluated 2026-09-01.

Allele frequency attached by ClinVar (database versions not stated): gnomAD exomes 0.00001; ExAC 0.00003; gnomAD 0.00003; TOPMed 0.00004; ESP Exome Variant Server 0.00008; 1000 Genomes Project 30x 0.00016; 1000 Genomes Project 0.00020.
gnomAD v4.1: 28 of 1,613,858 alleles (0.0017%); highest among the groups gnomAD compares: East Asian, 0.0067%; no homozygotes.

Submissions (2):

CeGaT Center for Human Genetics Tuebingen
Classification: Likely benign. Last evaluated: 2026-09-01. Review status: criteria provided, single submitter. Criteria: CeGaT Center For Human Genetics Tuebingen Variant Classification Criteria Version 2. Collection method: clinical testing. Allele origin: germline. Affected: yes. Observed: 1 variant allele.
Comment: PIGU: BP4, BP7

Labcorp Genetics (formerly Invitae), Labcorp
Classification: Likely benign. Last evaluated: 2023-08-24. Review status: criteria provided, single submitter. Criteria: Invitae Variant Classification Sherloc (09022015). Collection method: clinical testing. Allele origin: germline.